The following is an entry in ClinVar:

NM_019892.6(INPP5E):c.319A>C (p.Asn107His)

Gene: INPP5E (inositol polyphosphate-5-phosphatase E; minus strand). Cytogenetic location: 9q34.3.
Variant type: single nucleotide variant.
Coding change: c.319A>C on transcript NM_019892.6 (MANE Select); coding-DNA position 319, A replaced by C.
Protein change: p.Asn107His; replaces asparagine 107 with histidine.
Molecular consequence: missense variant.
Genome position (GRCh38, 1-based): chr9:136,439,101, T>G on the plus strand (A>C on the coding strand, the complement: INPP5E is on the minus strand). VCF-style: chr9-136439101-T-G. GRCh37 (hg19) VCF-style: chr9-139333553-T-G.
Other names: c.319A>C, p.Asn107His (NM_001318502.2); short protein forms N107H.
Identifiers: ClinVar variation 1490952 (VCV001490952.8), dbSNP rs2131619339, ClinGen allele CA375569804.

ClinVar aggregate classification (germline): Uncertain significance (1 of 4 stars; one submission).

Conditions:
Joubert syndrome. Also called: CEREBELLOPARENCHYMAL DISORDER IV; JOUBERT-BOLTSHAUSER SYNDROME; Familial aplasia of the vermis. Identifiers: Orphanet 475, MedGen C5979921, MONDO:0018772.

Submission:

Labcorp Genetics (formerly Invitae), Labcorp
Classification: Uncertain significance for Joubert syndrome. Last evaluated: 2023-04-24. Review status: criteria provided, single submitter. Criteria: Invitae Variant Classification Sherloc (09022015). Collection method: clinical testing. Allele origin: germline.
Comment: In summary, the available evidence is currently insufficient to determine the role of this variant in disease. Therefore, it has been classified as a Variant of Uncertain Significance. Advanced modeling of protein sequence and biophysical properties (such as structural, functional, and spatial information, amino acid conservation, physicochemical variation, residue mobility, and thermodynamic stability) has been performed at Invitae for this missense variant, however the output from this modeling did not meet the statistical confidence thresholds required to predict the impact of this variant on INPP5E protein function. ClinVar contains an entry for this variant (Variation ID: 1490952). This variant has not been reported in the literature in individuals affected with INPP5E-related conditions. This variant is not present in population databases (gnomAD no frequency). This sequence change replaces asparagine, which is neutral and polar, with histidine, which is basic and polar, at codon 107 of the INPP5E protein (p.Asn107His).